The following is an entry in ClinVar:

ClinVar aggregate classification (germline): Likely benign. Review status: criteria provided, multiple submitters, no conflicts (2 of 4 stars). 2 submissions from 2 submitters: Likely benign (2). Last evaluated 2025-10-15.

Conditions:
Landau-Kleffner syndrome (FESD). Also called: EPILEPSY, FOCAL, WITH SPEECH DISORDER AND WITH OR WITHOUT MENTAL RETARDATION; APHASIA, ACQUIRED, WITH EPILEPSY. Identifiers: Orphanet 1945, Orphanet 725, Orphanet 98818, MedGen C0282512, MONDO:0009509, OMIM 245570.

Allele frequency attached by ClinVar (database versions not stated): ExAC 0.00002; gnomAD 0.00001.
gnomAD v4.1: 15 of 1,613,876 alleles (0.00093%); highest among the groups gnomAD compares: East Asian, 0.0067%; no homozygotes.

Submissions (2):

Labcorp Genetics (formerly Invitae), Labcorp
Classification: Likely benign for Landau-Kleffner syndrome. Last evaluated: 2025-10-15. Review status: criteria provided, single submitter. Criteria: Invitae Variant Classification Sherloc (09022015). Collection method: clinical testing. Allele origin: germline.

CeGaT Center for Human Genetics Tuebingen
Classification: Likely benign. Last evaluated: 2022-12-01. Review status: criteria provided, single submitter. Criteria: CeGaT Center For Human Genetics Tuebingen Variant Classification Criteria Version 2. Collection method: clinical testing. Allele origin: germline. Affected: yes. Observed: 1 variant allele.
Comment: GRIN2A: BP4

NM_001134407.3(GRIN2A):c.4015A>G (p.Lys1339Glu)

Gene: GRIN2A (glutamate ionotropic receptor NMDA type subunit 2A; minus strand). Cytogenetic location: 16p13.2.
Variant type: single nucleotide variant.
Coding change: c.4015A>G on transcript NM_001134407.3 (MANE Select); coding-DNA position 4015, A replaced by G.
Protein change: p.Lys1339Glu; replaces lysine 1339 with glutamic acid.
Molecular consequence: missense variant. On other transcripts: intron variant (1).
Genome position (GRCh38, 1-based): chr16:9,763,529, T>C on the plus strand (A>G on the coding strand, the complement: GRIN2A is on the minus strand). VCF-style: chr16-9763529-T-C. GRCh37 (hg19) VCF-style: chr16-9857386-T-C.
Other names: c.4015A>G, p.Lys1339Glu (NM_000833.5); c.3773-101A>G (NM_001134408.2); short protein forms K1339E.
Identifiers: ClinVar variation 1534137 (VCV001534137.32), dbSNP rs754686222, ClinGen allele CA7896224.